The following is an entry in ClinVar:

ClinVar aggregate classification (germline): Uncertain significance (1 of 4 stars; one submission).

Submission:

Labcorp Genetics (formerly Invitae), Labcorp
Classification: Uncertain significance. Last evaluated: 2022-06-15. Review status: criteria provided, single submitter. Criteria: Invitae Variant Classification Sherloc (09022015). Collection method: clinical testing. Allele origin: germline.
Comment: This variant has not been reported in the literature in individuals affected with ADIPOR1-related conditions. This variant is not present in population databases (gnomAD no frequency). This sequence change creates a premature translational stop signal (p.Thr135Lysfs*129) in the ADIPOR1 gene. It is expected to result in an absent or disrupted protein product. However, the current clinical and genetic evidence is not sufficient to establish whether loss-of-function variants in ADIPOR1 cause disease. In summary, the available evidence is currently insufficient to determine the role of this variant in disease. Therefore, it has been classified as a Variant of Uncertain Significance.

NM_015999.6(ADIPOR1):c.403_404insAAAA (p.Thr135fs)

Gene: ADIPOR1 (adiponectin receptor 1; minus strand). Cytogenetic location: 1q32.1.
Variant type: Insertion.
Coding change: c.403_404insAAAA on transcript NM_015999.6 (MANE Select); coding-DNA positions 403 to 404, AAAA inserted.
Protein change: p.Thr135fs; shifts the reading frame from threonine 135.
Molecular consequence: frameshift variant.
Genome position: GRCh38 VCF-style: chr1-202946465-G-GTTTT. GRCh37 (hg19) VCF-style: chr1-202915593-G-GTTTT.
Other names: c.400_401insAAAA, p.Thr135Lysfs (NM_001127687.1); c.403_404insAAAA, p.Thr135fs (NM_001290553.2, NM_001290557.1, NM_001290629.1); short protein forms T135fs.
Identifiers: ClinVar variation 2007315 (VCV002007315.4), dbSNP rs2527469722, ClinGen allele CA2580061912.